The following is an entry in ClinVar:

NM_000038.6(APC):c.3998A>T (p.Lys1333Ile)

Gene: APC (APC regulator of Wnt signaling pathway; plus strand). Cytogenetic location: 5q22.2.
Variant type: single nucleotide variant.
Coding change: c.3998A>T on transcript NM_000038.6 (MANE Select); coding-DNA position 3998, A replaced by T.
Protein change: p.Lys1333Ile; replaces lysine 1333 with isoleucine.
Molecular consequence: missense variant. On other transcripts: non-coding transcript variant (2).
Genome position (GRCh38, 1-based): chr5:112,839,592, A>T. VCF-style: chr5-112839592-A-T. GRCh37 (hg19) VCF-style: chr5-112175289-A-T.
Other names: c.4028A>T, p.Lys1343Ile (NM_001354897.2); c.3923A>T, p.Lys1308Ile (NM_001354898.2); c.3914A>T, p.Lys1305Ile (NM_001354899.2); c.3875A>T, p.Lys1292Ile (NM_001354900.2); c.3821A>T, p.Lys1274Ile (NM_001354901.2, NM_001407453.1); c.3725A>T, p.Lys1242Ile (NM_001354902.2); c.3695A>T, p.Lys1232Ile (NM_001354903.2, NM_001407458.1, NM_001407459.1 and 1 more transcripts); c.3620A>T, p.Lys1207Ile (NM_001354904.2); and 11 more; short protein forms K1050I, K1204I, K1232I, K1274I, K1351I, K1250I, K1305I, K1343I.
Identifiers: ClinVar variation 5026154 (VCV005026154.1).

ClinVar aggregate classification (germline): Uncertain significance (1 of 4 stars; one submission).

Conditions:
Hereditary cancer-predisposing syndrome. Also called: Neoplastic Syndromes, Hereditary; Tumor predisposition; Hereditary neoplastic syndrome; Hereditary Cancer Syndrome. Identifiers: Orphanet 140162, MedGen C0027672, MeSH D009386, MONDO:0015356.

Submission:

Ambry Genetics
Classification: Uncertain significance for Hereditary cancer-predisposing syndrome. Last evaluated: 2026-09-10. Review status: criteria provided, single submitter. Criteria: Ambry Variant Classification Scheme 2023. Collection method: clinical testing. Allele origin: germline.
Comment: The p.K1333I variant (also known as c.3998A>T), located in coding exon 15 of the APC gene, results from an A to T substitution at nucleotide position 3998. The lysine at codon 1333 is replaced by isoleucine, an amino acid with dissimilar properties. This amino acid position is conserved. In addition, in silico predictors for this gene do not accurately predict pathogenicity. Based on the available evidence, the clinical significance of this variant remains unclear.